The following is an entry in ClinVar:

ClinVar aggregate classification (germline): Benign/Likely benign. Review status: criteria provided, multiple submitters, no conflicts (2 of 4 stars). 4 submissions from 4 submitters: Benign (1); Likely benign (3). Last evaluated 2025-09-01.

Conditions:
Hereditary cancer-predisposing syndrome. Also called: Tumor predisposition; Hereditary Cancer Syndrome; Neoplastic Syndromes, Hereditary; Hereditary neoplastic syndrome. Identifiers: Orphanet 140162, MedGen C0027672, MeSH D009386, MONDO:0015356.
Multiple endocrine neoplasia, type 1 (MEN1). Also called: MEA I; MEN I; WERMER SYNDROME; Endocrine adenomatosis multiple; MEN 1. Identifiers: Orphanet 652, MedGen C0025267, MeSH D018761, MONDO:0007540, OMIM 131100.

Submissions (4):

Labcorp Genetics (formerly Invitae), Labcorp
Classification: Likely benign for Multiple endocrine neoplasia, type 1. Last evaluated: 2025-09-01. Review status: criteria provided, single submitter. Criteria: Invitae Variant Classification Sherloc (09022015). Collection method: clinical testing. Allele origin: germline.

Myriad Genetics, Inc.
Classification: Benign for Multiple endocrine neoplasia, type 1. Last evaluated: 2024-11-05. Review status: criteria provided, single submitter. Criteria: Myriad Autosomal Dominant, Autosomal Recessive and X-Linked Classification Criteria (2023). Collection method: clinical testing. Allele origin: unknown.
Comment: This variant is considered benign. This variant is a silent/synonymous amino acid change and it is not expected to impact splicing.

All of Us Research Program, National Institutes of Health
Classification: Likely benign for Multiple endocrine neoplasia, type 1. Last evaluated: 2023-08-15. Review status: criteria provided, single submitter. Criteria: ACMG Guidelines, 2015. Collection method: clinical testing. Allele origin: germline. Inheritance: Autosomal dominant inheritance. Observed: 2 variant alleles, 2 heterozygotes.
Comment: This study involves interpretation of variants in research participants for the purpose of population health screening. Participant phenotype was not available at the time of variant classification. Additional details can be found in publication PMID: 35346344, PMCID: PMC8962531

Ambry Genetics
Classification: Likely benign for Hereditary cancer-predisposing syndrome. Last evaluated: 2021-12-14. Review status: criteria provided, single submitter. Criteria: Ambry Variant Classification Scheme 2023. Collection method: clinical testing. Allele origin: germline.

NM_001370259.2(MEN1):c.1569T>G (p.Ala523=)

Gene: MEN1 (menin 1; minus strand). Cytogenetic location: 11q13.1.
Variant type: single nucleotide variant.
Coding change: c.1569T>G on transcript NM_001370259.2 (MANE Select); coding-DNA position 1569, T replaced by G.
Protein change: p.Ala523=; no amino-acid change (alanine 523 retained).
Molecular consequence: synonymous variant.
Genome position (GRCh38, 1-based): chr11:64,804,598, A>C on the plus strand (T>G on the coding strand, the complement: MEN1 is on the minus strand). VCF-style: chr11-64804598-A-C. GRCh37 (hg19) VCF-style: chr11-64572070-A-C.
Other names: c.1584T>G, p.Ala528= (NM_000244.4, NM_130800.3, NM_130801.3 and 3 more transcripts); c.1695T>G, p.Ala565= (NM_001370251.2); c.1569T>G, p.Ala523= (NM_001370260.2, NM_001370261.2, NM_130799.3); c.1464T>G, p.Ala488= (NM_001370262.2, NM_001370263.2).
Identifiers: ClinVar variation 745379 (VCV000745379.15), dbSNP rs1592631415, ClinGen allele CA475162887.
Genomic context (GRCh38, chr11:64,804,598, plus strand): 5'-TGATGCTGTGGGTGCTGGCACCTGAGCCGTGCTGCCACCTTCAGGGCCTCGGGCTGTGCC[A>C]GCGACAGTCCCAGGAGGCTTCCGGGGGGGTCCTGACACTGCACCCTGGCCGGTGCCCAGG-3'
Protein context (NP_001357188.2, residues 513-533): GPPRKPPGTV[Ala523=]GTARGPEGGS